The following is an entry in ClinVar:

ClinVar aggregate classification (germline): Uncertain significance (1 of 4 stars; one submission).

Conditions:
Primary dilated cardiomyopathy (DCM). Also called: Dilated Cardiomyopathy. Identifiers: Orphanet 217604, MedGen C0007193, MeSH D002311, MONDO:0005021, HP:0001644. Inheritance: Various modes of inheritance.

Submission:

Labcorp Genetics (formerly Invitae), Labcorp
Classification: Uncertain significance for Primary dilated cardiomyopathy. Last evaluated: 2022-01-21. Review status: criteria provided, single submitter. Criteria: Invitae Variant Classification Sherloc (09022015). Collection method: clinical testing. Allele origin: germline.
Comment: In summary, the available evidence is currently insufficient to determine the role of this variant in disease. Therefore, it has been classified as a Variant of Uncertain Significance. Algorithms developed to predict the effect of sequence changes on RNA splicing suggest that this variant may disrupt the consensus splice site. This variant has not been reported in the literature in individuals affected with NEBL-related conditions. This variant is not present in population databases (gnomAD no frequency). This sequence change affects an acceptor splice site in intron 24 of the NEBL gene. It is expected to disrupt RNA splicing. Variants that disrupt the donor or acceptor splice site typically lead to a loss of protein function (PMID: 16199547), however the current clinical and genetic evidence is not sufficient to establish whether loss-of-function variants in NEBL cause disease.

Literature cited by the submitters: PubMed 16199547.

NM_006393.3(NEBL):c.2519-1G>T

Gene: NEBL (nebulette; minus strand). Cytogenetic location: 10p12.31.
Variant type: single nucleotide variant.
Coding change: c.2519-1G>T on transcript NM_006393.3 (MANE Select); the canonical splice acceptor site of the intron before coding-DNA position 2519, G replaced by T.
Molecular consequence: splice acceptor variant. On other transcripts: intron variant (8).
Genome position (GRCh38, 1-based): chr10:20,809,899, C>A on the plus strand (G>T on the coding strand, the complement: NEBL is on the minus strand). VCF-style: chr10-20809899-C-A. GRCh37 (hg19) VCF-style: chr10-21098828-C-A.
Other names: c.421+2870G>T (NM_001377326.1, NM_001377327.1, NM_001377328.1); c.529+2870G>T (NM_213569.2, NM_001173484.2); c.530-1G>T (NM_001377322.1); c.472+2870G>T (NM_001377324.1); c.463+2870G>T (NM_001377325.1); c.481+2870G>T (NM_001377323.1).
Identifiers: ClinVar variation 2088478 (VCV002088478.4), dbSNP rs2491574613, ClinGen allele CA376093161.